The following is an entry in ClinVar:

ClinVar aggregate classification (germline): Benign/Likely benign. Review status: criteria provided, multiple submitters, no conflicts (2 of 4 stars). 5 submissions from 5 submitters: Benign (1); Likely benign (4). Last evaluated 2026-04-30.

Conditions:
Cardiovascular phenotype. Identifiers: MedGen CN230736.
Cardiomyopathy (CMYO). Also called: Cardiomyopathies. Identifiers: Orphanet 167848, MedGen C0878544, MONDO:0004994, HP:0001638. Inheritance: Various modes of inheritance.
Hypertrophic cardiomyopathy. Also called: HYPERTROPHIC MYOCARDIOPATHY. Identifiers: Orphanet 217569, MedGen C0007194, MeSH D002312, MONDO:0005045, HP:0001639.

gnomAD v4.1: 3 of 1,613,978 alleles (0.00019%); no homozygotes.

Submissions (5):

Ambry Genetics
Classification: Likely benign for Cardiovascular phenotype. Last evaluated: 2026-04-30. Review status: criteria provided, single submitter. Criteria: Ambry Variant Classification Scheme 2023. Collection method: clinical testing. Allele origin: germline.

Labcorp Genetics (formerly Invitae), Labcorp
Classification: Likely benign for Hypertrophic cardiomyopathy. Last evaluated: 2025-12-08. Review status: criteria provided, single submitter. Criteria: Invitae Variant Classification Sherloc (09022015). Collection method: clinical testing. Allele origin: germline.

All of Us Research Program, National Institutes of Health
Classification: Likely benign for Cardiomyopathy. Last evaluated: 2023-11-02. Review status: criteria provided, single submitter. Criteria: ACMG Guidelines, 2015. Collection method: clinical testing. Allele origin: germline. Inheritance: Autosomal dominant inheritance. Observed: 2 variant alleles, 2 heterozygotes.
Comment: This study involves interpretation of variants in research participants for the purpose of population health screening. Participant phenotype was not available at the time of variant classification. Additional details can be found in publication PMID: 35346344, PMCID: PMC8962531

Color Diagnostics, LLC DBA Color Health
Classification: Likely benign for Cardiomyopathy. Last evaluated: 2019-02-10. Review status: criteria provided, single submitter. Criteria: ACMG Guidelines, 2015. Collection method: clinical testing. Allele origin: germline.

GeneDx
Classification: Benign. Last evaluated: 2015-03-03. Review status: criteria provided, single submitter. Criteria: GeneDx Variant Classification Process June 2021. Collection method: clinical testing. Allele origin: germline. Affected: yes.

NM_000257.4(MYH7):c.5106G>T (p.Ala1702=)

Genes: MHRT (myosin heavy chain associated RNA transcript; plus strand), MYH7 (myosin heavy chain 7; minus strand), LOC126861897 (BRD4-independent group 4 enhancer GRCh37_chr14:23884455-23885654; plus strand). Cytogenetic location: 14q11.2.
Variant type: single nucleotide variant.
Coding change: c.5106G>T on transcript NM_000257.4 (MANE Select); coding-DNA position 5106, G replaced by T.
Protein change: p.Ala1702=; no amino-acid change (alanine 1702 retained).
Molecular consequence: synonymous variant. On other transcripts: non-coding transcript variant (1).
Genome position (GRCh38, 1-based): chr14:23,415,680, C>A on the plus strand (G>T on the coding strand, the complement: MYH7 is on the minus strand). VCF-style: chr14-23415680-C-A. GRCh37 (hg19) VCF-style: chr14-23884889-C-A.
Identifiers: ClinVar variation 920972 (VCV000920972.7), dbSNP rs3729830, ClinGen allele CA485766308.